The following is an entry in ClinVar:

NM_033266.4(ERN2):c.957C>T (p.Pro319=)

Gene: ERN2 (endoplasmic reticulum to nucleus signaling 2; minus strand). Cytogenetic location: 16p12.2.
Variant type: single nucleotide variant.
Coding change: c.957C>T on transcript NM_033266.4 (MANE Select); coding-DNA position 957, C replaced by T.
Protein change: p.Pro319=; no amino-acid change (proline 319 retained).
Molecular consequence: synonymous variant.
Genome position (GRCh38, 1-based): chr16:23,702,514, G>A on the plus strand (C>T on the coding strand, the complement: ERN2 is on the minus strand). VCF-style: chr16-23702514-G-A. GRCh37 (hg19) VCF-style: chr16-23713835-G-A.
Other names: c.957C>T, p.Pro319= (NM_001308220.2).
Identifiers: ClinVar variation 3025887 (VCV003025887.22), dbSNP rs201669721, ClinGen allele CA7965325.

ClinVar aggregate classification (germline): Likely benign (1 of 4 stars; one submission).

Allele frequency attached by ClinVar (database versions not stated): gnomAD 0.00013; TOPMed 0.00013; ExAC 0.00019; ESP Exome Variant Server 0.00023.
gnomAD v4.1: 493 of 1,613,784 alleles (0.031%); highest among the groups gnomAD compares: Non-Finnish European, 0.036%; no homozygotes.

Submission:

CeGaT Center for Human Genetics Tuebingen
Classification: Likely benign. Last evaluated: 2024-02-01. Review status: criteria provided, single submitter. Criteria: CeGaT Center For Human Genetics Tuebingen Variant Classification Criteria Version 2. Collection method: clinical testing. Allele origin: germline. Affected: yes. Observed: 1 variant allele.
Comment: ERN2: BP4, BP7